The following is an entry in ClinVar:

NM_139057.4(ADAMTS17):c.1327A>G (p.Lys443Glu)

Gene: ADAMTS17 (ADAM metallopeptidase with thrombospondin type 1 motif 17; minus strand). Cytogenetic location: 15q26.3.
Variant type: single nucleotide variant.
Coding change: c.1327A>G on transcript NM_139057.4 (MANE Select); coding-DNA position 1327, A replaced by G.
Protein change: p.Lys443Glu; replaces lysine 443 with glutamic acid.
Molecular consequence: missense variant.
Genome position (GRCh38, 1-based): chr15:100,152,758, T>C on the plus strand (A>G on the coding strand, the complement: ADAMTS17 is on the minus strand). VCF-style: chr15-100152758-T-C. GRCh37 (hg19) VCF-style: chr15-100692963-T-C.
Other names: short protein forms K443E.
Identifiers: ClinVar variation 1930356 (VCV001930356.3), dbSNP rs2039235639, ClinGen allele CA393934351.

ClinVar aggregate classification (germline): Uncertain significance. Review status: criteria provided, multiple submitters, no conflicts (2 of 4 stars). 2 submissions from 2 submitters: Uncertain significance (2). Last evaluated 2022-10-24.

Allele frequency attached by ClinVar (database versions not stated): gnomAD exomes below 0.00001.
gnomAD v4.1: 2 of 1,614,186 alleles (0.00012%); highest among the groups gnomAD compares: African/African-American, 0.0027%; no homozygotes.

Submissions (2):

Blueprint Genetics
Classification: Uncertain significance. Last evaluated: 2022-10-24. Review status: criteria provided, single submitter. Criteria: ACMG Guidelines, 2015. Collection method: clinical testing. Allele origin: germline.

Labcorp Genetics (formerly Invitae), Labcorp
Classification: Uncertain significance. Last evaluated: 2022-10-23. Review status: criteria provided, single submitter. Criteria: Invitae Variant Classification Sherloc (09022015). Collection method: clinical testing. Allele origin: germline.
Comment: This sequence change replaces lysine, which is basic and polar, with glutamic acid, which is acidic and polar, at codon 443 of the ADAMTS17 protein (p.Lys443Glu). This variant is not present in population databases (gnomAD no frequency). This variant has not been reported in the literature in individuals affected with ADAMTS17-related conditions. Algorithms developed to predict the effect of missense changes on protein structure and function are either unavailable or do not agree on the potential impact of this missense change (SIFT: "Not Available"; PolyPhen-2: "Possibly Damaging"; Align-GVGD: "Not Available"). In summary, the available evidence is currently insufficient to determine the role of this variant in disease. Therefore, it has been classified as a Variant of Uncertain Significance.